The following is an entry in ClinVar:

ClinVar aggregate classification (germline): Likely benign (1 of 4 stars; one submission).

Conditions:
Colorectal cancer, susceptibility to, 12 (CRCS12). Also called: COLORECTAL CANCER, SUSCEPTIBILITY TO, ON CHROMOSOME 12q24. Identifiers: Orphanet 220460, MedGen C3554460, MONDO:0014038, OMIM 615083.

Submission:

Myriad Genetics, Inc.
Classification: Likely benign for Colorectal cancer, susceptibility to, 12. Last evaluated: 2025-02-07. Review status: criteria provided, single submitter. Criteria: Myriad Autosomal Dominant, Autosomal Recessive and X-Linked Classification Criteria (2023). Collection method: clinical testing. Allele origin: unknown.
Comment: This variant is considered likely benign. This variant is intronic and is not expected to impact mRNA splicing.

NM_006231.4(POLE):c.910-12G>C

Gene: POLE (DNA polymerase epsilon, catalytic subunit; minus strand). Cytogenetic location: 12q24.33.
Variant type: single nucleotide variant.
Coding change: c.910-12G>C on transcript NM_006231.4 (MANE Select); 12 bases into the intron before coding-DNA position 910, G replaced by C.
Molecular consequence: intron variant.
Genome position (GRCh38, 1-based): chr12:132,676,216, C>G on the plus strand (G>C on the coding strand, the complement: POLE is on the minus strand). VCF-style: chr12-132676216-C-G. GRCh37 (hg19) VCF-style: chr12-133252802-C-G.
Identifiers: ClinVar variation 3904348 (VCV003904348.1).